The following is an entry in ClinVar:

ClinVar aggregate classification (germline): Uncertain significance (1 of 4 stars; one submission).

Submission:

Labcorp Genetics (formerly Invitae), Labcorp
Classification: Uncertain significance. Last evaluated: 2023-01-17. Review status: criteria provided, single submitter. Criteria: Invitae Variant Classification Sherloc (09022015). Collection method: clinical testing. Allele origin: germline.
Comment: This variant is not present in population databases (gnomAD no frequency). In summary, the available evidence is currently insufficient to determine the role of this variant in disease. Therefore, it has been classified as a Variant of Uncertain Significance. Algorithms developed to predict the effect of missense changes on protein structure and function are either unavailable or do not agree on the potential impact of this missense change (SIFT: "Tolerated"; PolyPhen-2: "Probably Damaging"; Align-GVGD: "Class C0"). This variant has not been reported in the literature in individuals affected with MRPS16-related conditions. This sequence change replaces phenylalanine, which is neutral and non-polar, with serine, which is neutral and polar, at codon 47 of the MRPS16 protein (p.Phe47Ser).

NM_016065.4(MRPS16):c.140T>C (p.Phe47Ser)

Genes: DNAJC9-AS1 (DNAJC9 and MRPS16 antisense RNA 1; plus strand), MRPS16 (mitochondrial ribosomal protein S16; minus strand). Cytogenetic location: 10q22.2.
Variant type: single nucleotide variant.
Coding change: c.140T>C on transcript NM_016065.4 (MANE Select); coding-DNA position 140, T replaced by C.
Protein change: p.Phe47Ser; replaces phenylalanine 47 with serine.
Molecular consequence: missense variant.
Genome position (GRCh38, 1-based): chr10:73,251,897, A>G on the plus strand (T>C on the coding strand, the complement: MRPS16 is on the minus strand). VCF-style: chr10-73251897-A-G. GRCh37 (hg19) VCF-style: chr10-75011655-A-G.
Other names: c.140T>C, p.Phe47Ser (NM_001410935.1); short protein forms F47S.
Identifiers: ClinVar variation 2829598 (VCV002829598.3), dbSNP rs2493361382, ClinGen allele CA377193159.